The following is an entry in ClinVar:

NM_001723.7(DST):c.7887_7891delinsGTA (p.Lys2630fs)

Gene: DST (dystonin; minus strand). Cytogenetic location: 6p12.1.
Variant type: Indel.
Coding change: c.7887_7891delinsGTA on transcript NM_001723.7 (MANE Plus Clinical); coding-DNA positions 7887 to 7891, TAAAC replaced by GTA.
Protein change: p.Lys2630fs; shifts the reading frame from lysine 2630.
Molecular consequence: frameshift variant. On other transcripts: intron variant (10).
Genome position (GRCh38, 1-based): chr6:56,615,576-56,615,580, GTTTA replaced by TAC on the plus strand (TAAAC replaced by GTA on the coding strand, the reverse complement: DST is on the minus strand). VCF-style: chr6-56615576-GTTTA-TAC. GRCh37 (hg19) VCF-style: chr6-56480374-GTTTA-TAC.
Other names: c.4831-1096_4831-1092delinsGTA (NM_001144769.5); c.4930-1096_4930-1092delinsGTA (NM_001374722.1, NM_001374736.1); c.4957-1096_4957-1092delinsGTA (NM_001374734.1); c.4417-1096_4417-1092delinsGTA (NM_001144770.2); c.4297-1096_4297-1092delinsGTA (NM_001374730.1, NM_001386100.1, NM_183380.4 and 1 more transcripts); c.3319-1096_3319-1092delinsGTA (NM_015548.5); short protein forms K2630fs.
Identifiers: ClinVar variation 541456 (VCV000541456.9), dbSNP rs1554497505, ClinGen allele CA658796782.

ClinVar aggregate classification (germline): Conflicting classifications of pathogenicity. Review status: criteria provided, conflicting classifications (1 of 4 stars). 3 submissions from 3 submitters: Likely pathogenic (2); Uncertain significance (1). Last evaluated 2025-12-10.

Conditions:
Hereditary sensory and autonomic neuropathy type 6. Also called: HSAN VI; Neuropathy, hereditary sensory and autonomic, type VI. Identifiers: Orphanet 314381, MedGen C3539003, MONDO:0013839, OMIM 614653.
Epidermolysis bullosa simplex 3, localized or generalized intermediate, with BP230 deficiency (EBS3). Also called: Epidermolysis bullosa simplex, autosomal recessive 2; Epidermolysis bullosa simplex due to BP230 deficiency. Identifiers: Orphanet 412181, MedGen C3809470, MONDO:0014180, OMIM 615425.

Submissions (3):

GeneDx
Classification: Likely pathogenic. Last evaluated: 2025-12-10. Review status: criteria provided, single submitter. Criteria: GeneDx Variant Classification Process June 2021. Collection method: clinical testing. Allele origin: germline. Affected: yes.
Comment: Frameshift variant predicted to result in protein truncation as the last 20 amino acids are replaced with 5 different amino acids, although loss-of-function variants have not been reported downstream of this position in the protein; Not observed at significant frequency in large population cohorts (gnomAD); Has not been previously published as pathogenic or benign to our knowledge

First Genomix Gene Laboratory, Genetic Diagnostics Department
Classification: Likely pathogenic for Epidermolysis bullosa simplex 3, localized or generalized intermediate, with BP230 deficiency; Hereditary sensory and autonomic neuropathy type 6. Last evaluated: 2025-07-15. Review status: criteria provided, single submitter. Criteria: ACMG Guidelines, 2015. Collection method: clinical testing. Allele origin: germline. Inheritance: Autosomal recessive inheritance. Affected: no. Observed: 1 variant allele.

Labcorp Genetics (formerly Invitae), Labcorp
Classification: Uncertain significance for Epidermolysis bullosa simplex 3, localized or generalized intermediate, with BP230 deficiency; Hereditary sensory and autonomic neuropathy type 6. Last evaluated: 2024-11-11. Review status: criteria provided, single submitter. Criteria: Invitae Variant Classification Sherloc (09022015). Collection method: clinical testing. Allele origin: germline.
Comment: This sequence change creates a premature translational stop signal (p.Lys2630Tyrfs*6) in the DST gene. While this is not anticipated to result in nonsense mediated decay, it is expected to disrupt the last 20 amino acid(s) of the DST protein. The frequency data for this variant in the population databases is considered unreliable, as metrics indicate poor data quality at this position in the gnomAD database. This variant has not been reported in the literature in individuals affected with DST-related conditions. Experimental studies and prediction algorithms are not available or were not evaluated, and the functional significance of this variant is currently unknown. In summary, the available evidence is currently insufficient to determine the role of this variant in disease. Therefore, it has been classified as a Variant of Uncertain Significance.